The following is an entry in ClinVar:

NM_020436.5(SALL4):c.888C>A (p.His296Gln)

Gene: SALL4 (spalt like transcription factor 4; minus strand). Cytogenetic location: 20q13.2.
Variant type: single nucleotide variant.
Coding change: c.888C>A on transcript NM_020436.5 (MANE Select); coding-DNA position 888, C replaced by A.
Protein change: p.His296Gln; replaces histidine 296 with glutamine.
Molecular consequence: missense variant.
Genome position (GRCh38, 1-based): chr20:51,791,595, G>T on the plus strand (C>A on the coding strand, the complement: SALL4 is on the minus strand). VCF-style: chr20-51791595-G-T. GRCh37 (hg19) VCF-style: chr20-50408134-G-T.
Other names: c.888C>A, p.His296Gln (NM_001318031.2); short protein forms H296Q.
Identifiers: ClinVar variation 2629104 (VCV002629104.1), dbSNP rs113287064, ClinGen allele CA409015182.

ClinVar aggregate classification (germline): Uncertain significance (1 of 4 stars; one submission).

Conditions:
SALL4-Related Disorders. Also called: SALL4-related condition; SALL4-related disorder. Identifiers: MedGen CN381056.

Submission:

PreventionGenetics, part of Exact Sciences
Classification: Uncertain significance for SALL4-related condition. Last evaluated: 2023-08-04. Review status: criteria provided, single submitter. Criteria: ACMG Guidelines, 2015. Collection method: clinical testing. Allele origin: germline.
Comment: The SALL4 c.888C>A variant is predicted to result in the amino acid substitution p.His296Gln. To our knowledge, this variant has not been reported in the literature or in a large population database, indicating this variant is rare. At this time, the clinical significance of this variant is uncertain due to the absence of conclusive functional and genetic evidence.